The following is an entry in ClinVar:

NM_006031.6(PCNT):c.7608G>C (p.Gln2536His)

Gene: PCNT (pericentrin; plus strand). Cytogenetic location: 21q22.3.
Variant type: single nucleotide variant.
Coding change: c.7608G>C on transcript NM_006031.6 (MANE Select); coding-DNA position 7608, G replaced by C.
Protein change: p.Gln2536His; replaces glutamine 2536 with histidine.
Molecular consequence: missense variant.
Genome position (GRCh38, 1-based): chr21:46,428,508, G>C. VCF-style: chr21-46428508-G-C. GRCh37 (hg19) VCF-style: chr21-47848422-G-C.
Other names: c.7254G>C, p.Gln2418His (NM_001315529.2); short protein forms Q2418H, Q2536H.
Identifiers: ClinVar variation 3385037 (VCV003385037.1).

ClinVar aggregate classification (germline): Uncertain significance (1 of 4 stars; one submission).

Submission:

Women's Health and Genetics/Laboratory Corporation of America, LabCorp
Classification: Uncertain significance. Last evaluated: 2024-10-01. Review status: criteria provided, single submitter. Criteria: LabCorp Variant Classification Summary - May 2015. Collection method: clinical testing. Allele origin: germline.
Comment: Variant summary: PCNT c.7608G>C (p.Gln2536His) results in a non-conservative amino acid change in the encoded protein sequence. Three of five in-silico tools predict a damaging effect of the variant on protein function. The variant was absent in 245764 control chromosomes. The available data on variant occurrences in the general population are insufficient to allow any conclusion about variant significance. To our knowledge, no occurrence of c.7608G>C in individuals affected with Microcephalic Osteodysplastic Primordial Dwarfism Type II and no experimental evidence demonstrating its impact on protein function have been reported. No submitters have cited clinical-significance assessments for this variant to ClinVar. Based on the evidence outlined above, the variant was classified as uncertain significance.